The following is an entry in ClinVar:

NM_170665.4(ATP2A2):c.1761G>A (p.Glu587=)

Gene: ATP2A2 (ATPase sarcoplasmic/endoplasmic reticulum Ca2+ transporting 2; plus strand). Cytogenetic location: 12q24.11.
Variant type: single nucleotide variant.
Coding change: c.1761G>A on transcript NM_170665.4 (MANE Select); coding-DNA position 1761, G replaced by A.
Protein change: p.Glu587=; no amino-acid change (glutamic acid 587 retained).
Molecular consequence: synonymous variant.
Genome position (GRCh38, 1-based): chr12:110,339,721, G>A. VCF-style: chr12-110339721-G-A. GRCh37 (hg19) VCF-style: chr12-110777526-G-A.
Other names: c.1656G>A, p.Glu552= (NM_001413013.1); c.1761G>A, p.Glu587= (NM_001413014.1, NM_001681.4); c.1386G>A, p.Glu462= (NM_001413015.1).
Identifiers: ClinVar variation 2861821 (VCV002861821.3), dbSNP rs1290201409, ClinGen allele CA481868441.

ClinVar aggregate classification (germline): Uncertain significance (1 of 4 stars; one submission).

Allele frequency attached by ClinVar (database versions not stated): gnomAD exomes below 0.00001.
gnomAD v4.1: 1 of 1,613,536 alleles (0.000062%); no homozygotes.

Submission:

Labcorp Genetics (formerly Invitae), Labcorp
Classification: Uncertain significance. Last evaluated: 2023-05-02. Review status: criteria provided, single submitter. Criteria: Invitae Variant Classification Sherloc (09022015). Collection method: clinical testing. Allele origin: germline.
Comment: In summary, the available evidence is currently insufficient to determine the role of this variant in disease. Therefore, it has been classified as a Variant of Uncertain Significance. Variants that disrupt the consensus splice site are a relatively common cause of aberrant splicing (PMID: 17576681, 9536098). Algorithms developed to predict the effect of sequence changes on RNA splicing suggest that this variant may disrupt the consensus splice site. This variant has been observed in individual(s) with Darier disease (Invitae). This variant is present in population databases (no rsID available, gnomAD 0.01%). This sequence change affects codon 587 of the ATP2A2 mRNA. It is a 'silent' change, meaning that it does not change the encoded amino acid sequence of the ATP2A2 protein. This variant also falls at the last nucleotide of exon 13, which is part of the consensus splice site for this exon.

Literature cited by the submitters: PubMed 17576681; PubMed 9536098.